The following is an entry in ClinVar:

NM_006206.6(PDGFRA):c.374A>C (p.Asp125Ala)

Gene: PDGFRA (platelet derived growth factor receptor alpha; plus strand). Cytogenetic location: 4q12.
Variant type: single nucleotide variant.
Coding change: c.374A>C on transcript NM_006206.6 (MANE Select); coding-DNA position 374, A replaced by C.
Protein change: p.Asp125Ala; replaces aspartic acid 125 with alanine.
Molecular consequence: missense variant.
Genome position (GRCh38, 1-based): chr4:54,263,673, A>C. VCF-style: chr4-54263673-A-C. GRCh37 (hg19) VCF-style: chr4-55129840-A-C.
Other names: c.374A>C, p.Asp125Ala (NM_001347827.2, NM_001347829.2); c.449A>C, p.Asp150Ala (NM_001347828.2); c.413A>C, p.Asp138Ala (NM_001347830.2); short protein forms D125A, D138A, D150A.
Identifiers: ClinVar variation 1000888 (VCV001000888.10), dbSNP rs1167372221, ClinGen allele CA356889600.

ClinVar aggregate classification (germline): Uncertain significance. Review status: criteria provided, multiple submitters, no conflicts (2 of 4 stars). 2 submissions from 2 submitters: Uncertain significance (2). Last evaluated 2025-03-26.

Conditions:
Gastrointestinal stromal tumor. Also called: Gastrointestinal stromal tumor, somatic; Gastrointestinal stroma tumor. Identifiers: Orphanet 44890, MedGen C0238198, MeSH D046152, MONDO:0011719, OMIM 606764, HP:0100723.
Hereditary cancer-predisposing syndrome. Also called: Neoplastic Syndromes, Hereditary; Hereditary Cancer Syndrome; Hereditary neoplastic syndrome; Tumor predisposition. Identifiers: Orphanet 140162, MedGen C0027672, MeSH D009386, MONDO:0015356.

Allele frequency attached by ClinVar (database versions not stated): TOPMed below 0.00001; gnomAD 0.00001.
gnomAD v4.1: 1 of 1,613,750 alleles (0.000062%); highest among the groups gnomAD compares: Admixed American, 0.0017%; no homozygotes.

Submissions (2):

Labcorp Genetics (formerly Invitae), Labcorp
Classification: Uncertain significance for Gastrointestinal stromal tumor. Last evaluated: 2025-03-26. Review status: criteria provided, single submitter. Criteria: Invitae Variant Classification Sherloc (09022015). Collection method: clinical testing. Allele origin: germline.
Comment: This sequence change replaces aspartic acid, which is acidic and polar, with alanine, which is neutral and non-polar, at codon 125 of the PDGFRA protein (p.Asp125Ala). This variant is not present in population databases (gnomAD no frequency). This variant has not been reported in the literature in individuals affected with PDGFRA-related conditions. ClinVar contains an entry for this variant (Variation ID: 1000888). Invitae Evidence Modeling of protein sequence and biophysical properties (such as structural, functional, and spatial information, amino acid conservation, physicochemical variation, residue mobility, and thermodynamic stability) indicates that this missense variant is not expected to disrupt PDGFRA protein function with a negative predictive value of 80%. In summary, the available evidence is currently insufficient to determine the role of this variant in disease. Therefore, it has been classified as a Variant of Uncertain Significance.

Ambry Genetics
Classification: Uncertain significance for Hereditary cancer-predisposing syndrome. Last evaluated: 2023-01-10. Review status: criteria provided, single submitter. Criteria: Ambry Variant Classification Scheme 2023. Collection method: clinical testing. Allele origin: germline.
Comment: The p.D125A variant (also known as c.374A>C), located in coding exon 3 of the PDGFRA gene, results from an A to C substitution at nucleotide position 374. The aspartic acid at codon 125 is replaced by alanine, an amino acid with dissimilar properties. This amino acid position is well conserved in available vertebrate species. In addition, this alteration is predicted to be tolerated by in silico analysis. Since supporting evidence is limited at this time, the clinical significance of this alteration remains unclear.